The following is an entry in ClinVar:

NM_001323289.2(CDKL5):c.1523T>C (p.Ile508Thr)

Gene: CDKL5 (cyclin dependent kinase like 5; plus strand). Cytogenetic location: Xp22.13.
Variant type: single nucleotide variant.
Coding change: c.1523T>C on transcript NM_001323289.2 (MANE Select); coding-DNA position 1523, T replaced by C.
Protein change: p.Ile508Thr; replaces isoleucine 508 with threonine.
Molecular consequence: missense variant.
Genome position (GRCh38, 1-based): chrX:18,604,447, T>C. VCF-style: chrX-18604447-T-C. GRCh37 (hg19) VCF-style: chrX-18622567-T-C.
Other names: NM_001323289.2(CDKL5):c.1523T>C; p.Ile508Thr; c.1523T>C, p.Ile508Thr (NM_001037343.2, NM_003159.3); short protein forms I508T.
Identifiers: ClinVar variation 143778 (VCV000143778.21), dbSNP rs201893287, ClinGen allele CA170449.
Genomic context (GRCh38, chrX:18,604,447, plus strand): 5'-GCCATGGGGCACTGAGTGACTCCAAGTCTGTGAGCAACCTTTCTGAAGCCAGGGCCCAAA[T>C]TGCGGAGCCCAGTACCAGTAGGTACTTCCCATCTAGCTGCTTAGACTTGAATTCTCCCAC-3'
Protein context (NP_001310218.1, residues 498-518): VSNLSEARAQ[Ile508Thr]AEPSTSRYFP

ClinVar aggregate classification (germline): Benign. Review status: reviewed by expert panel (3 of 4 stars). 7 submissions from 7 submitters: Benign (1). 6 of the submissions do not count toward it. Last evaluated 2022-08-25.

Conditions:
Inborn genetic diseases. Identifiers: MedGen C0950123, MeSH D030342.
CDKL5 disorder. Identifiers: MedGen CN296942, MONDO:0100039.
Developmental and epileptic encephalopathy, 2 (DEE2). Also called: INFANTILE SPASM SYNDROME, X-LINKED 2; CDKL5 deficiency disorder. Identifiers: Orphanet 1934, Orphanet 3451, Orphanet 505652, MedGen C4750718, MONDO:0010396, OMIM 300672.
Angelman syndrome-like. Identifiers: MedGen CN128785.
Autism (AUTS). Also called: Autistic disorder of childhood onset; Autistic disorder. Identifiers: MedGen C0004352, MeSH D001321, MONDO:0005260, OMIM 209850, HP:0000717.
CDKL5-related disorder.

Allele frequency attached by ClinVar (database versions not stated): TOPMed 0.00006; gnomAD 0.00008 and 0.00009; ExAC 0.00009; gnomAD exomes 0.00011 and 0.00017; ESP Exome Variant Server 0.00019.
gnomAD v4.1: 200 of 1,209,743 alleles (0.017%); highest among the groups gnomAD compares: Non-Finnish European, 0.021%; no homozygotes.

Submissions (7):

ClinGen Rett and Angelman-like Disorders Variant Curation Expert Panel
Classification: Benign for CDKL5 disorder. Last evaluated: 2022-08-25. Review status: reviewed by expert panel. Criteria: ClinGen RettAS ACMG Specifications V2. Collection method: curation. Allele origin: germline. Inheritance: X-linked inheritance.
Comment: The allele frequency of the p.Ile508Thr variant in CDKL5 is 0.018% in European (Non-Finnish) sub population in gnomAD, which is high enough to be classified as likely benign based on thresholds defined by the ClinGen Rett/Angelman-like Expert Panel for Rett/AS-like conditions (BS1). The p.Ile508Thr variant is observed in at least 2 unaffected individuals (internal database) (BS2). Computational analysis prediction tools suggest that the p.Ile508Thr variant does not have a deleterious impact; however this information does not predict clinical significance on its own (BP4). In summary, the p.Ile508Thr variant in CDKL5 is classified as benign based on the ACMG/AMP criteria (BS1, BS2, BP4).

Labcorp Genetics (formerly Invitae), Labcorp
Classification: Benign for Developmental and epileptic encephalopathy, 2; Angelman syndrome-like. Last evaluated: 2025-10-26. Review status: criteria provided, single submitter. Criteria: Invitae Variant Classification Sherloc (09022015). Collection method: clinical testing. Allele origin: germline. Not counted in ClinVar's aggregate classification.

Centre for Population Genomics, CPG
Classification: Benign for CDKL5 disorder. Last evaluated: 2024-07-12. Review status: criteria provided, single submitter. Criteria: McKnight et al. (Hum Mutat. 2022). Collection method: curation. Allele origin: germline. Inheritance: X-linked inheritance. Not counted in ClinVar's aggregate classification.
Comment: This variant has been collected from RettBASE and curated to current modified ACMG/AMP criteria. Based on the classification scheme defined by the ClinGen Rett/Angelman-like Expert Panel for Rett/AS-like Disorders Specifications to the ACMG/AMP Variant Interpretation Guidelines VCEP 3.0, this variant is classified as benign. At least the following criteria are met: The allele frequency of this variant in at least one population in gnomAD is higher than the 0.03% threshold defined by the ClinGen Rett/Angelman-like Expert Panel for Rett/AS-like Disorders VCEP 3.0 (BA1).

Ambry Genetics
Classification: Likely benign for Inborn genetic diseases. Last evaluated: 2020-05-13. Review status: criteria provided, single submitter. Criteria: Ambry Variant Classification Scheme 2023. Collection method: clinical testing. Allele origin: germline. Not counted in ClinVar's aggregate classification.

GeneDx
Classification: Likely benign. Last evaluated: 2018-09-04. Review status: criteria provided, single submitter. Criteria: GeneDx Variant Classification Process June 2021. Collection method: clinical testing. Allele origin: germline. Affected: yes. Not counted in ClinVar's aggregate classification.

PreventionGenetics, part of Exact Sciences
Classification: Benign for CDKL5-related condition. Last evaluated: 2023-01-31. Review status: no assertion criteria provided. Collection method: clinical testing. Allele origin: germline. Not counted in ClinVar's aggregate classification.
Comment: This variant is classified as benign based on ACMG/AMP sequence variant interpretation guidelines (Richards et al. 2015 PMID: 25741868, with internal and published modifications).

RettBASE
Classification: Uncertain significance for Autism. Last evaluated: 2014-05-09. Review status: no assertion criteria provided. Collection method: curation. Allele origin: unknown. Affected: yes and no. Observed: 2 variant alleles. Not counted in ClinVar's aggregate classification.
Comment: In silico predictions: SIFT = deleterious, MutationTaster = polymorphism, PolyPhen2 = benign, AlignGVGD = benign (C0)

Literature cited by the submitters: PubMed 20479760 (cited by Ambry Genetics and RettBASE); PubMed 29264392 (cited by Ambry Genetics).